The following is an entry in ClinVar:

ClinVar aggregate classification (germline): Pathogenic/Likely pathogenic. Review status: criteria provided, multiple submitters, no conflicts (2 of 4 stars). 3 submissions from 3 submitters: Pathogenic (1); Likely pathogenic (1). 1 of the submissions does not count toward it. Last evaluated 2024-11-13.

Conditions:
GAPO syndrome. Identifiers: Orphanet 2067, MedGen C0406723, MONDO:0009263, OMIM 230740.

Allele frequency attached by ClinVar (database versions not stated): gnomAD exomes below 0.00001.
gnomAD v4.1: 2 of 1,614,040 alleles (0.00012%); highest among the groups gnomAD compares: Non-Finnish European, 0.00017%; no homozygotes.

Submissions (3):

Labcorp Genetics (formerly Invitae), Labcorp
Classification: Pathogenic. Last evaluated: 2024-11-13. Review status: criteria provided, single submitter. Criteria: Invitae Variant Classification Sherloc (09022015). Collection method: clinical testing. Allele origin: germline.
Comment: This sequence change creates a premature translational stop signal (p.Arg169*) in the ANTXR1 gene. It is expected to result in an absent or disrupted protein product. Loss-of-function variants in ANTXR1 are known to be pathogenic (PMID: 23602711). This variant is not present in population databases (gnomAD no frequency). This premature translational stop signal has been observed in individual(s) with growth retardation, alopecia, pseudoanodontia and progressive optic atrophy syndrome (PMID: 23602711). ClinVar contains an entry for this variant (Variation ID: 50906). Algorithms developed to predict the effect of sequence changes on RNA splicing suggest that this variant may disrupt the consensus splice site. For these reasons, this variant has been classified as Pathogenic.

Laboratory for Molecular Medicine, Mass General Brigham Personalized Medicine
Classification: Likely pathogenic for GAPO syndrome. Last evaluated: 2017-05-01. Review status: criteria provided, single submitter. Criteria: LMM Criteria. Collection method: clinical testing. Allele origin: germline. Inheritance: Autosomal recessive inheritance. Observed: 1 variant allele.
Comment: The p.Arg169X (NM_032208.2 c.505C>T) variant in ANTXR1 has been reported in 1 ho mozygous individual with growth delay alopecia pseudoanodontia-optic atrophy syn drome (GAPO) (Stranecky 2013), and was absent from large population studies. Cel l lines from this published case provide evidence supporting that this variant c auses GAPO syndrome (reduced RT-PCR products, reductions in relative cDNA expres sion, absence of protein from skin fibroblasts by immunoblot, and alterations in actin cytoskeleton network by immunofluorescence) (Stranecky 2013). This nonsen se variant leads to a premature termination codon at position 169, which is pred icted to lead to a truncated or absent protein. Biallelic loss of function of th e ANTXR1 gene has been associated with GAPO syndrome. In summary, the p.Arg169X variant in ANTXR1 gene is likely pathogenic for GAPO syndrome in an autosomal r ecessive manner based on case report, absence in controls and functional evidenc e.

OMIM
Classification: Pathogenic for GAPO SYNDROME. Last evaluated: 2013-05-02. Review status: no assertion criteria provided. Collection method: literature only. Allele origin: germline. Not counted in ClinVar's aggregate classification.

Literature cited by the submitters: PubMed 23602711 (cited by 3 submitters); PubMed 9180938 (cited by OMIM).

NM_032208.3(ANTXR1):c.505C>T (p.Arg169Ter)

Gene: ANTXR1 (ANTXR cell adhesion molecule 1; plus strand). Cytogenetic location: 2p13.3.
Variant type: single nucleotide variant.
Coding change: c.505C>T on transcript NM_032208.3 (MANE Select); coding-DNA position 505, C replaced by T.
Protein change: p.Arg169Ter; replaces arginine 169 with a stop codon.
Molecular consequence: nonsense.
Genome position (GRCh38, 1-based): chr2:69,075,602, C>T. VCF-style: chr2-69075602-C-T. GRCh37 (hg19) VCF-style: chr2-69302734-C-T.
Other names: c.505C>T, p.Arg169Ter (NM_018153.3, NM_053034.2); short protein forms R169*.
Identifiers: ClinVar variation 50906 (VCV000050906.6), dbSNP rs397514700, ClinGen allele CA143841.